The following is an entry in ClinVar:

NM_000278.5(PAX2):c.656G>C (p.Ser219Thr)

Gene: PAX2 (paired box 2; plus strand). Cytogenetic location: 10q24.31.
Variant type: single nucleotide variant.
Coding change: c.656G>C on transcript NM_000278.5 (MANE Select); coding-DNA position 656, G replaced by C.
Protein change: p.Ser219Thr; replaces serine 219 with threonine.
Molecular consequence: missense variant.
Genome position (GRCh38, 1-based): chr10:100,806,469, G>C. VCF-style: chr10-100806469-G-C. GRCh37 (hg19) VCF-style: chr10-102566226-G-C.
Other names: c.749G>C, p.Ser250Thr (NM_001304569.2); c.725G>C, p.Ser242Thr (NM_003987.5, NM_003990.5); c.656G>C, p.Ser219Thr (NM_003988.5, NM_003989.5); c.725G>C (NM_003990.4); short protein forms S219T, S242T, S250T.
Identifiers: ClinVar variation 2053115 (VCV002053115.5), dbSNP rs200491094, ClinGen allele CA213069707.
Genomic context (GRCh38, chr10:100,806,469, plus strand): 5'-GAGTGTCCATGTGTTCTCCAGATGTGTCTGAGGGCTCAGTCCCCAATGGAGATTCCCAGA[G>C]TGGTGTGGACAGTTTGCGGAAGCACTTGCGAGCTGACACCTTCACCCAGCAGCAGCTGGA-3'
Protein context (NP_000269.3, residues 209-229): EGSVPNGDSQ[Ser219Thr]GVDSLRKHLR

ClinVar aggregate classification (germline): Uncertain significance. Review status: criteria provided, multiple submitters, no conflicts (2 of 4 stars). 2 submissions from 2 submitters: Uncertain significance (2). Last evaluated 2025-02-24.

Conditions:
PAX2-Related Disorder. Also called: PAX2-related disorders. Identifiers: MedGen CN381309.
Renal coloboma syndrome (PAPRS). Also called: PAPILLORENAL SYNDROME; COLOBOMA OF OPTIC NERVE WITH RENAL DISEASE; PAPILLORENAL SYNDROME WITH MILD OCULAR ABNORMALITIES; CONGENITAL ANOMALIES OF THE KIDNEY AND URINARY TRACT WITH OR WITHOUT OCULAR ABNORMALITIES; CAKUT WITH OR WITHOUT OCULAR ABNORMALITIES; OPTIC COLOBOMA, VESICOURETERAL REFLUX, AND RENAL ANOMALIES. Identifiers: Orphanet 1475, MedGen C1852759, MONDO:0007352, OMIM 120330.
Focal segmental glomerulosclerosis 7 (FSGS7). Identifiers: Orphanet 656, MedGen C4014925, MONDO:0014451, OMIM 616002.

gnomAD v4.1: 8 of 1,614,110 alleles (0.0005%); highest among the groups gnomAD compares: East Asian, 0.0022%; no homozygotes.

Submissions (2):

PreventionGenetics, part of Exact Sciences
Classification: Uncertain significance for PAX2-related condition. Last evaluated: 2025-02-24. Review status: criteria provided, single submitter. Criteria: ACMG Guidelines, 2015. Collection method: clinical testing. Allele origin: germline.
Comment: The PAX2 c.725G>C variant is predicted to result in the amino acid substitution p.Ser242Thr. To our knowledge, this variant has not been reported in the literature. This variant is reported in 0.00088% of alleles in individuals of European (Non-Finnish) descent in gnomAD. At this time, the clinical significance of this variant is uncertain due to the absence of conclusive functional and genetic evidence.

Labcorp Genetics (formerly Invitae), Labcorp
Classification: Uncertain significance for Renal coloboma syndrome; Focal segmental glomerulosclerosis 7. Last evaluated: 2022-11-29. Review status: criteria provided, single submitter. Criteria: Invitae Variant Classification Sherloc (09022015). Collection method: clinical testing. Allele origin: germline.
Comment: In summary, the available evidence is currently insufficient to determine the role of this variant in disease. Therefore, it has been classified as a Variant of Uncertain Significance. Algorithms developed to predict the effect of missense changes on protein structure and function are either unavailable or do not agree on the potential impact of this missense change (SIFT: "Not Available"; PolyPhen-2: "Possibly Damaging"; Align-GVGD: "Not Available"). This variant has not been reported in the literature in individuals affected with PAX2-related conditions. This variant is present in population databases (rs200491094, gnomAD 0.0009%). This sequence change replaces serine, which is neutral and polar, with threonine, which is neutral and polar, at codon 219 of the PAX2 protein (p.Ser219Thr).